The following is an entry in ClinVar:

ClinVar aggregate classification (germline): Uncertain significance (1 of 4 stars; one submission).

Conditions:
Dilated cardiomyopathy 1G (CMD1G). Identifiers: Orphanet 154, MedGen C1858763, MONDO:0011400, OMIM 604145.
Autosomal recessive limb-girdle muscular dystrophy type 2J (LGMDR10). Also called: MUSCULAR DYSTROPHY, LIMB-GIRDLE, AUTOSOMAL RECESSIVE 10; Limb-girdle muscular dystrophy, type 2J. Identifiers: Orphanet 140922, MedGen C1837342, MONDO:0012127, OMIM 608807.

Submission:

Labcorp Genetics (formerly Invitae), Labcorp
Classification: Uncertain significance for Dilated cardiomyopathy 1G; Autosomal recessive limb-girdle muscular dystrophy type 2J. Last evaluated: 2022-07-12. Review status: criteria provided, single submitter. Criteria: Invitae Variant Classification Sherloc (09022015). Collection method: clinical testing. Allele origin: germline.
Comment: ClinVar contains an entry for this variant (Variation ID: 1434729). This variant has not been reported in the literature in individuals affected with TTN-related conditions. This variant is not present in population databases (gnomAD no frequency). This sequence change replaces isoleucine, which is neutral and non-polar, with methionine, which is neutral and non-polar, at codon 33895 of the TTN protein (p.Ile33895Met). Experimental studies and prediction algorithms are not available or were not evaluated, and the functional significance of this variant is currently unknown. In summary, the available evidence is currently insufficient to determine the role of this variant in disease. Therefore, it has been classified as a Variant of Uncertain Significance. This variant is located in the M band of TTN (PMID: 25589632). Variants in this region may be relevant for neuromuscular disorders, but have not been definitively shown to cause cardiomyopathy (PMID: 23975875).

Literature cited by the submitters: PubMed 25589632; PubMed 23975875.

NM_001267550.2(TTN):c.101685A>G (p.Ile33895Met)

Genes: TTN-AS1 (TTN antisense RNA 1; plus strand), TTN (titin; minus strand). Cytogenetic location: 2q31.2.
Variant type: single nucleotide variant.
Coding change: c.101685A>G on transcript NM_001267550.2 (MANE Select); coding-DNA position 101685, A replaced by G.
Protein change: p.Ile33895Met; replaces isoleucine 33895 with methionine.
Molecular consequence: missense variant.
Genome position (GRCh38, 1-based): chr2:178,534,930, T>C on the plus strand (A>G on the coding strand, the complement: TTN is on the minus strand). VCF-style: chr2-178534930-T-C. GRCh37 (hg19) VCF-style: chr2-179399657-T-C.
Other names: c.96762A>G, p.Ile32254Met (NM_001256850.1); c.74490A>G, p.Ile24830Met (NM_003319.4); c.93981A>G, p.Ile31327Met (NM_133378.4); c.74865A>G, p.Ile24955Met (NM_133432.3); c.75066A>G, p.Ile25022Met (NM_133437.4); short protein forms I33895M, I24830M, I25022M, I31327M, I24955M, I32254M.
Identifiers: ClinVar variation 1434729 (VCV001434729.8), dbSNP rs2154136307, ClinGen allele CA349419879.
Genomic context (GRCh38, chr2:178,534,930, plus strand): 5'-TTCTCTTTCATTAAGTTCAAAAGCACTTGTGTTAATGCGCTCAAATATGTCAAGTCCTGA[T>C]ATAAACTCAAAGATCATAACTAATTCTTCCATGCTTTCAAATGATTCATGGAGGTGTAAG-3'
Protein context (NP_001254479.2, residues 33885-33905): MEELVMIFEF[Ile33895Met]SGLDIFERIN